The following is an entry in ClinVar:

NM_002474.3(MYH11):c.1719T>C (p.Thr573=)

Gene: MYH11 (myosin heavy chain 11; minus strand). Cytogenetic location: 16p13.11.
Variant type: single nucleotide variant.
Coding change: c.1719T>C on transcript NM_002474.3 (MANE Select); coding-DNA position 1719, T replaced by C.
Protein change: p.Thr573=; no amino-acid change (threonine 573 retained).
Molecular consequence: synonymous variant.
Genome position (GRCh38, 1-based): chr16:15,756,371, A>G on the plus strand (T>C on the coding strand, the complement: MYH11 is on the minus strand). VCF-style: chr16-15756371-A-G. GRCh37 (hg19) VCF-style: chr16-15850228-A-G.
Other names: c.1740T>C, p.Thr580= (NM_001040113.2, NM_001040114.2); c.1719T>C, p.Thr573= (NM_022844.3).
Identifiers: ClinVar variation 794227 (VCV000794227.10), dbSNP rs759846780, ClinGen allele CA7922541.
Genomic context (GRCh38, chr16:15,756,371, plus strand): 5'-ACAGAGTCCCCTGGGCCCTGTGGCTGGTACCTTCCCAGCATAATGGATGATGGAGAACTC[A>G]GTCTTGTCCTTGAGCTGCTTGGGCTTCTGGAACTTGGGGTGGCTGCCCTGCTCCGTGCAC-3'
Protein context (NP_002465.1, residues 563-583): FQKPKQLKDK[Thr573=]EFSIIHYAGK

ClinVar aggregate classification (germline): Likely benign. Review status: criteria provided, multiple submitters, no conflicts (2 of 4 stars). 3 submissions from 3 submitters: Likely benign (3). Last evaluated 2026-01-12.

Conditions:
Aortic aneurysm, familial thoracic 4 (AAT4). Also called: AORTIC ANEURYSM/AORTIC DISSECTION AND PATENT DUCTUS ARTERIOSUS. Identifiers: MedGen C1851504, MONDO:0007568, OMIM 132900.
Familial thoracic aortic aneurysm and aortic dissection (TAAD). Also called: Thoracic aortic aneurysms and dissections. Identifiers: Orphanet 91387, MedGen C4707243, MONDO:0019625.

Allele frequency attached by ClinVar (database versions not stated): ExAC 0.00002; gnomAD exomes 0.00002.
gnomAD v4.1: 16 of 1,614,154 alleles (0.00099%); highest among the groups gnomAD compares: South Asian, 0.014%; no homozygotes.

Submissions (3):

Labcorp Genetics (formerly Invitae), Labcorp
Classification: Likely benign for Aortic aneurysm, familial thoracic 4. Last evaluated: 2026-01-12. Review status: criteria provided, single submitter. Criteria: Invitae Variant Classification Sherloc (09022015). Collection method: clinical testing. Allele origin: germline.

All of Us Research Program, National Institutes of Health
Classification: Likely benign for Familial thoracic aortic aneurysm and aortic dissection. Last evaluated: 2023-12-13. Review status: criteria provided, single submitter. Criteria: ACMG Guidelines, 2015. Collection method: clinical testing. Allele origin: germline. Inheritance: Autosomal dominant inheritance. Observed: 1 variant allele, 1 heterozygote.
Comment: This study involves interpretation of variants in research participants for the purpose of population health screening. Participant phenotype was not available at the time of variant classification. Additional details can be found in publication PMID: 35346344, PMCID: PMC8962531

Color Diagnostics, LLC DBA Color Health
Classification: Likely benign for Familial thoracic aortic aneurysm and aortic dissection. Last evaluated: 2019-07-02. Review status: criteria provided, single submitter. Criteria: ACMG Guidelines, 2015. Collection method: clinical testing. Allele origin: germline.